The following is an entry in ClinVar:

NM_006270.5(RRAS):c.231C>A (p.Ala77=)

Gene: RRAS (RAS related; minus strand). Cytogenetic location: 19q13.33.
Variant type: single nucleotide variant.
Coding change: c.231C>A on transcript NM_006270.5 (MANE Select); coding-DNA position 231, C replaced by A.
Protein change: p.Ala77=; no amino-acid change (alanine 77 retained).
Molecular consequence: synonymous variant.
Genome position (GRCh38, 1-based): chr19:49,637,053, G>T on the plus strand (C>A on the coding strand, the complement: RRAS is on the minus strand). VCF-style: chr19-49637053-G-T. GRCh37 (hg19) VCF-style: chr19-50140310-G-T.
Identifiers: ClinVar variation 527796 (VCV000527796.15), dbSNP rs557964716, ClinGen allele CA9579118.

ClinVar aggregate classification (germline): Benign/Likely benign. Review status: criteria provided, multiple submitters, no conflicts (2 of 4 stars). 6 submissions from 6 submitters: Benign (1); Likely benign (5). Last evaluated 2026-07-01.

Conditions:
RRAS-related disorder. Also called: RRAS-related condition.
Noonan syndrome (NS). Also called: Noonan's syndrome. Identifiers: Orphanet 648, MedGen C0028326, MeSH D009634, MONDO:0018997. Disease mechanism: gain of function.

Allele frequency attached by ClinVar (database versions not stated): gnomAD below 0.00001 and 0.00007; TOPMed 0.00001; gnomAD exomes 0.00014 and 0.00027; ExAC 0.00030; 1000 Genomes Project 30x 0.00031; 1000 Genomes Project 0.00040.
gnomAD v4.1: 213 of 1,613,676 alleles (0.013%); highest among the groups gnomAD compares: South Asian, 0.22%; 3 homozygotes.

Submissions (6):

CeGaT Center for Human Genetics Tuebingen
Classification: Likely benign. Last evaluated: 2026-07-01. Review status: criteria provided, single submitter. Criteria: CeGaT Center For Human Genetics Tuebingen Variant Classification Criteria Version 2. Collection method: clinical testing. Allele origin: germline. Affected: yes. Observed: 1 variant allele.
Comment: RRAS: BP4, BP7

Women's Health and Genetics/Laboratory Corporation of America, LabCorp
Classification: Benign. Last evaluated: 2026-03-13. Review status: criteria provided, single submitter. Criteria: LabCorp Variant Classification Summary - May 2015. Collection method: clinical testing. Allele origin: germline.

Labcorp Genetics (formerly Invitae), Labcorp
Classification: Likely benign for Noonan syndrome. Last evaluated: 2025-05-12. Review status: criteria provided, single submitter. Criteria: Invitae Variant Classification Sherloc (09022015). Collection method: clinical testing. Allele origin: germline.

PreventionGenetics, part of Exact Sciences
Classification: Likely benign for RRAS-related condition. Last evaluated: 2025-05-08. Review status: criteria provided, single submitter. Criteria: ACMG Guidelines, 2015. Collection method: clinical testing. Allele origin: germline.
Comment: This variant is classified as likely benign based on ACMG/AMP sequence variant interpretation guidelines (Richards et al. 2015 PMID: 25741868, with internal and published modifications).

Blueprint Genetics
Classification: Likely benign. Last evaluated: 2024-09-30. Review status: criteria provided, single submitter. Criteria: ACMG Guidelines, 2015. Collection method: clinical testing. Allele origin: germline.

Ambry Genetics
Classification: Likely benign. Last evaluated: 2022-08-27. Review status: criteria provided, single submitter. Criteria: Ambry Variant Classification Scheme 2023. Collection method: clinical testing. Allele origin: germline.